The following is an entry in ClinVar:

NM_000088.4(COL1A1):c.4321G>A (p.Asp1441Asn)

Gene: COL1A1 (collagen type I alpha 1 chain; minus strand). Cytogenetic location: 17q21.33.
Variant type: single nucleotide variant.
Coding change: c.4321G>A on transcript NM_000088.4 (MANE Select); coding-DNA position 4321, G replaced by A.
Protein change: p.Asp1441Asn; replaces aspartic acid 1441 with asparagine.
Molecular consequence: missense variant.
Genome position (GRCh38, 1-based): chr17:50,185,576, C>T on the plus strand (G>A on the coding strand, the complement: COL1A1 is on the minus strand). VCF-style: chr17-50185576-C-T. GRCh37 (hg19) VCF-style: chr17-48262937-C-T.
Other names: short protein forms D1441N.
Identifiers: ClinVar variation 942286 (VCV000942286.15), dbSNP rs72656351, ClinGen allele CA400190401.
Genomic context (GRCh38, chr17:50,185,576, plus strand): 5'-CAGGGCCAACGTCGAAGCCGAATTCCTGGTCTGGGGCACCAACGTCCAAGGGGGCCACAT[C>T]GATGATGGGCAGGCGGGAGGTCTTGGTGGTTTTGTATTCAATCACTGTCTTGCCCCAGGC-3'
Protein context (NP_000079.2, residues 1431-1451): TTKTSRLPII[Asp1441Asn]VAPLDVGAPD

ClinVar aggregate classification (germline): Conflicting classifications of pathogenicity. Review status: criteria provided, conflicting classifications (1 of 4 stars). 3 submissions from 3 submitters: Likely pathogenic (1); Uncertain significance (2). Last evaluated 2024-01-03.

Conditions:
Cardiovascular phenotype. Identifiers: MedGen CN230736.
Osteogenesis imperfecta type I (OI1). Also called: Lobstein's Disease; OI, TYPE I; OSTEOGENESIS IMPERFECTA TARDA; OSTEOGENESIS IMPERFECTA WITH BLUE SCLERAE; Lobstein disease; Classic Non-deforming Osteogenesis Imperfecta with Blue Sclerae. Identifiers: Orphanet 216796, Orphanet 666, MedGen C0023931, MONDO:0008146, OMIM 166200. Disease mechanism: loss of function.

Allele frequency attached by ClinVar (database versions not stated): TOPMed 0.00002; gnomAD 0.00003; gnomAD exomes 0.00003.
gnomAD v4.1: 41 of 1,612,324 alleles (0.0025%); highest among the groups gnomAD compares: Non-Finnish European, 0.0032%; no homozygotes.

Submissions (3):

Labcorp Genetics (formerly Invitae), Labcorp
Classification: Likely pathogenic for Osteogenesis imperfecta type I. Last evaluated: 2024-01-03. Review status: criteria provided, single submitter. Criteria: Invitae Variant Classification Sherloc (09022015). Collection method: clinical testing. Allele origin: germline.
Comment: This sequence change replaces aspartic acid, which is acidic and polar, with asparagine, which is neutral and polar, at codon 1441 of the COL1A1 protein (p.Asp1441Asn). This variant is not present in population databases (gnomAD no frequency). This variant has not been reported in the literature in individuals affected with COL1A1-related conditions. ClinVar contains an entry for this variant (Variation ID: 942286). Advanced modeling of protein sequence and biophysical properties (such as structural, functional, and spatial information, amino acid conservation, physicochemical variation, residue mobility, and thermodynamic stability) performed at Invitae indicates that this missense variant is expected to disrupt COL1A1 protein function with a positive predictive value of 95%. This variant disrupts the p.Asp1441 amino acid residue in COL1A1. Other variant(s) that disrupt this residue have been determined to be pathogenic (PMID: 11826020, 19199251, 27509835). This suggests that this residue is clinically significant, and that variants that disrupt this residue are likely to be disease-causing. In summary, the currently available evidence indicates that the variant is pathogenic, but additional data are needed to prove that conclusively. Therefore, this variant has been classified as Likely Pathogenic.

Ambry Genetics
Classification: Uncertain significance for Cardiovascular phenotype. Last evaluated: 2022-12-21. Review status: criteria provided, single submitter. Criteria: Ambry Variant Classification Scheme 2023. Collection method: clinical testing. Allele origin: germline.
Comment: The p.D1441N variant (also known as c.4321G>A), located in coding exon 51 of the COL1A1 gene, results from a G to A substitution at nucleotide position 4321. The aspartic acid at codon 1441 is replaced by asparagine, an amino acid with highly similar properties. This amino acid position is highly conserved in available vertebrate species. In addition, the in silico prediction for this alteration is inconclusive. Since supporting evidence is limited at this time, the clinical significance of this alteration remains unclear.

Mayo Clinic Laboratories, Mayo Clinic
Classification: Uncertain significance. Last evaluated: 2020-10-19. Review status: criteria provided, single submitter. Criteria: ACMG Guidelines, 2015. Collection method: clinical testing. Allele origin: germline. Observed: 1 variant allele.

Literature cited by the submitters: PubMed 11826020 (cited by Labcorp Genetics (formerly Invitae), Labcorp); PubMed 19199251 (cited by Labcorp Genetics (formerly Invitae), Labcorp); PubMed 27509835 (cited by Labcorp Genetics (formerly Invitae), Labcorp).